The following is an entry in ClinVar:

ClinVar aggregate classification (germline): Uncertain significance. Review status: criteria provided, multiple submitters, no conflicts (2 of 4 stars). 2 submissions from 2 submitters: Uncertain significance (2). Last evaluated 2021-02-01.

Conditions:
Mucopolysaccharidosis, MPS-IV-A (MPS4A). Also called: Mucopolysaccharidosis type IV A; Mucopolysaccharidosis Type IVA; Morquio syndrome A, mild; MORQUIO SYNDROME A; MPS IVA; mucopolysaccharidosis type 4A. Identifiers: Orphanet 309297, Orphanet 582, MedGen C0086651, MONDO:0009659, OMIM 253000.

Submissions (2):

Laboratory of Diagnosis and Therapy of Lysosomal Disorders, University of Padova
Classification: Uncertain significance for Mucopolysaccharidosis, MPS-IV-A. Last evaluated: 2021-02-01. Review status: criteria provided, single submitter. Criteria: ACMG Guidelines, 2015. Collection method: research. Allele origin: germline. Affected: yes.
Comment: In vivo functional studies supportive of a damaging effect on the gene product (low to null enzymatic activity in homozygotes; PS3_supporting); absent from gnomAD v2.1.1 (PM2_moderate)

Neuberg Centre For Genomic Medicine, NCGM
Classification: Uncertain significance for Mucopolysaccharidosis, MPS-IV-A. Review status: criteria provided, single submitter. Criteria: ACMG Guidelines, 2015. Collection method: clinical testing. Allele origin: germline. Inheritance: Autosomal recessive inheritance. Affected: yes.
Comment: The missense variant p.T109I in GALNS (NM_000512.5) has been previously reported as a Variant of Uncertain Significance (Zanetti A et al). The variant has been submitted to ClinVar as a Variant of Uncertain Significance.The p.T109I variant is novel (not in any individuals) in gnomAD Exomes and is novel (not in any individuals) in 1000 Genomes. The p.T109I missense variant is predicted to be damaging by both SIFT and PolyPhen2. The threonine residue at codon 109 of GALNS is conserved in all mammalian species. The nucleotide c.326 in GALNS is predicted conserved by GERP++ and PhyloP across 100 vertebrates. For these reasons, this variant has been classified as Uncertain Significance.

Literature cited by the submitters: PubMed 34387910 (cited by Laboratory of Diagnosis and Therapy of Lysosomal Disorders, University of Padova).

NM_000512.5(GALNS):c.326C>T (p.Thr109Ile)

Gene: GALNS (galactosamine (N-acetyl)-6-sulfatase; minus strand). Cytogenetic location: 16q24.3.
Variant type: single nucleotide variant.
Coding change: c.326C>T on transcript NM_000512.5 (MANE Select); coding-DNA position 326, C replaced by T.
Protein change: p.Thr109Ile; replaces threonine 109 with isoleucine.
Molecular consequence: missense variant. On other transcripts: 5 prime UTR variant (1).
Genome position (GRCh38, 1-based): chr16:88,841,088, G>A on the plus strand (C>T on the coding strand, the complement: GALNS is on the minus strand). VCF-style: chr16-88841088-G-A. GRCh37 (hg19) VCF-style: chr16-88907496-G-A.
Other names: c.-230C>T (NM_001323543.2); c.344C>T, p.Thr115Ile (NM_001323544.2); c.326C>T (NM_000512.4); short protein forms T109I, T115I.
Identifiers: ClinVar variation 1048270 (VCV001048270.4), dbSNP rs2143004681, ClinGen allele CA397088351.